The following is an entry in ClinVar:

NM_016642.4(SPTBN5):c.4955G>A (p.Arg1652Gln)

Gene: SPTBN5 (spectrin beta, non-erythrocytic 5; minus strand). Cytogenetic location: 15q15.1.
Variant type: single nucleotide variant.
Coding change: c.4955G>A on transcript NM_016642.4 (MANE Select); coding-DNA position 4955, G replaced by A.
Protein change: p.Arg1652Gln; replaces arginine 1652 with glutamine.
Molecular consequence: missense variant.
Genome position (GRCh38, 1-based): chr15:41,873,544, C>T on the plus strand (G>A on the coding strand, the complement: SPTBN5 is on the minus strand). VCF-style: chr15-41873544-C-T. GRCh37 (hg19) VCF-style: chr15-42165742-C-T.
Other names: c.4850G>A (NM_016642.2); short protein forms R1652Q.
Identifiers: ClinVar variation 3051395 (VCV003051395.3), dbSNP rs376716549, ClinGen allele CA7503094.

ClinVar aggregate classification (germline): Likely benign. Review status: criteria provided, single submitter (1 of 4 stars). 2 submissions from 2 submitters: Likely benign (1). 1 of the submissions does not count toward it. Last evaluated 2022-03-29.

Conditions:
SPTBN5-related disorder. Also called: SPTBN5-related condition.

Allele frequency attached by ClinVar (database versions not stated): ESP Exome Variant Server 0.00017; ExAC 0.00018; gnomAD 0.00031.
gnomAD v4.1: 508 of 1,552,160 alleles (0.033%); highest among the groups gnomAD compares: Admixed American, 0.24%; 1 homozygote.

Submissions (2):

Ambry Genetics
Classification: Likely benign. Last evaluated: 2022-03-29. Review status: criteria provided, single submitter. Criteria: Ambry Variant Classification Scheme 2023. Collection method: clinical testing. Allele origin: germline.

PreventionGenetics, part of Exact Sciences
Classification: Likely benign for SPTBN5-related condition. Last evaluated: 2023-03-28. Review status: no assertion criteria provided. Collection method: clinical testing. Allele origin: germline. Not counted in ClinVar's aggregate classification.
Comment: This variant is classified as likely benign based on ACMG/AMP sequence variant interpretation guidelines (Richards et al. 2015 PMID: 25741868, with internal and published modifications).